The following is an entry in ClinVar:

NM_000452.3(SLC10A2):c.904G>C (p.Ala302Pro)

Gene: SLC10A2 (solute carrier family 10 member 2; minus strand). Cytogenetic location: 13q33.1.
Variant type: single nucleotide variant.
Coding change: c.904G>C on transcript NM_000452.3 (MANE Select); coding-DNA position 904, G replaced by C.
Protein change: p.Ala302Pro; replaces alanine 302 with proline.
Molecular consequence: missense variant.
Genome position (GRCh38, 1-based): chr13:103,049,304, C>G on the plus strand (G>C on the coding strand, the complement: SLC10A2 is on the minus strand). VCF-style: chr13-103049304-C-G. GRCh37 (hg19) VCF-style: chr13-103701654-C-G.
Other names: c.904G>C (NM_000452.2); short protein forms A302P.
Identifiers: ClinVar variation 1912868 (VCV001912868.6), dbSNP rs201822357, ClinGen allele CA255201480.

ClinVar aggregate classification (germline): Uncertain significance. Review status: criteria provided, multiple submitters, no conflicts (2 of 4 stars). 2 submissions from 2 submitters: Uncertain significance (2). Last evaluated 2026-05-10.

Conditions:
SLC10A2-related disorder. Also called: SLC10A2-related condition.

gnomAD v4.1: 4 of 1,613,470 alleles (0.00025%); highest among the groups gnomAD compares: East Asian, 0.0022%; no homozygotes.

Submissions (2):

PreventionGenetics, part of Exact Sciences
Classification: Uncertain significance for SLC10A2-related condition. Last evaluated: 2026-05-10. Review status: criteria provided, single submitter. Criteria: ACMG Guidelines, 2015. Collection method: clinical testing. Allele origin: germline.
Comment: The SLC10A2 c.904G>C variant is predicted to result in the amino acid substitution p.Ala302Pro. To our knowledge, this variant has not been reported in the literature. This variant is reported in 0.0029% of alleles in individuals of Latino descent in gnomAD. At this time, the clinical significance of this variant is uncertain due to the absence of conclusive functional and genetic evidence.

Labcorp Genetics (formerly Invitae), Labcorp
Classification: Uncertain significance. Last evaluated: 2025-08-18. Review status: criteria provided, single submitter. Criteria: Invitae Variant Classification Sherloc (09022015). Collection method: clinical testing. Allele origin: germline.
Comment: This sequence change replaces alanine, which is neutral and non-polar, with proline, which is neutral and non-polar, at codon 302 of the SLC10A2 protein (p.Ala302Pro). This variant is present in population databases (no rsID available, gnomAD 0.003%). This variant has not been reported in the literature in individuals affected with SLC10A2-related conditions. ClinVar contains an entry for this variant (Variation ID: 1912868). Invitae Evidence Modeling of protein sequence and biophysical properties (such as structural, functional, and spatial information, amino acid conservation, physicochemical variation, residue mobility, and thermodynamic stability) indicates that this missense variant is not expected to disrupt SLC10A2 protein function with a negative predictive value of 80%. In summary, the available evidence is currently insufficient to determine the role of this variant in disease. Therefore, it has been classified as a Variant of Uncertain Significance.